The following is an entry in ClinVar:

ClinVar aggregate classification (germline): Benign/Likely benign. Review status: criteria provided, multiple submitters, no conflicts (2 of 4 stars). 2 submissions from 2 submitters: Benign (1); Likely benign (1). Last evaluated 2024-06-06.

Conditions:
Hereditary cancer-predisposing syndrome. Also called: Tumor predisposition; Neoplastic Syndromes, Hereditary; Hereditary Cancer Syndrome; Hereditary neoplastic syndrome. Identifiers: Orphanet 140162, MedGen C0027672, MeSH D009386, MONDO:0015356.
Familial cancer of breast. Also called: Hereditary breast cancer; BREAST CANCER, FAMILIAL; hereditary breast carcinoma. Identifiers: Orphanet 227535, MedGen C0346153, MONDO:0016419, OMIM 114480. Disease mechanism: loss of function.

Submissions (2):

Myriad Genetics, Inc.
Classification: Benign for Familial cancer of breast. Last evaluated: 2024-06-06. Review status: criteria provided, single submitter. Criteria: Myriad Autosomal Dominant, Autosomal Recessive and X-Linked Classification Criteria (2023). Collection method: clinical testing. Allele origin: unknown.
Comment: This variant is considered benign. This variant is a silent/synonymous amino acid change and it is not expected to impact splicing.

Ambry Genetics
Classification: Likely benign for Hereditary cancer-predisposing syndrome. Last evaluated: 2018-09-26. Review status: criteria provided, single submitter. Criteria: Ambry Variant Classification Scheme 2023. Collection method: clinical testing. Allele origin: germline.

NM_000051.4(ATM):c.6408A>G (p.Arg2136=)

Genes: ATM (ATM serine/threonine kinase; plus strand), C11orf65 (chromosome 11 open reading frame 65; minus strand). Cytogenetic location: 11q22.3.
Variant type: single nucleotide variant.
Coding change: c.6408A>G on transcript NM_000051.4 (MANE Select); coding-DNA position 6408, A replaced by G.
Protein change: p.Arg2136=; no amino-acid change (arginine 2136 retained).
Molecular consequence: synonymous variant. On other transcripts: intron variant (2).
Genome position (GRCh38, 1-based): chr11:108,320,014, A>G. VCF-style: chr11-108320014-A-G. GRCh37 (hg19) VCF-style: chr11-108190741-A-G.
Other names: c.6408A>G, p.Arg2136= (NM_001351834.2); c.641-10943T>C (NM_001330368.2); c.*39-10943T>C (NM_001351110.2).
Identifiers: ClinVar variation 826385 (VCV000826385.7), dbSNP rs1591100312, ClinGen allele CA476676090.